The following is an entry in ClinVar:

NM_001374736.1(DST):c.16834C>T (p.Leu5612=)

Gene: DST (dystonin; minus strand). Cytogenetic location: 6p12.1.
Variant type: single nucleotide variant.
Coding change: c.16834C>T on transcript NM_001374736.1 (MANE Select); coding-DNA position 16834, C replaced by T.
Protein change: p.Leu5612=; no amino-acid change (leucine 5612 retained).
Molecular consequence: synonymous variant.
Genome position (GRCh38, 1-based): chr6:56,535,229, G>A on the plus strand (C>T on the coding strand, the complement: DST is on the minus strand). VCF-style: chr6-56535229-G-A. GRCh37 (hg19) VCF-style: chr6-56400027-G-A.
Other names: c.10477C>T, p.Leu3493= (NM_001144769.5); c.10063C>T, p.Leu3355= (NM_001144770.2); c.16834C>T, p.Leu5612= (NM_001374722.1); c.16201C>T, p.Leu5401= (NM_001374729.1); c.9943C>T, p.Leu3315= (NM_001374730.1, NM_001386100.1, NM_183380.4); c.16861C>T, p.Leu5621= (NM_001374734.1); c.8965C>T, p.Leu2989= (NM_015548.5).
Identifiers: ClinVar variation 2656657 (VCV002656657.24), dbSNP rs369635354, ClinGen allele CA139193573.

ClinVar aggregate classification (germline): Likely benign (1 of 4 stars; one submission).

Allele frequency attached by ClinVar (database versions not stated): gnomAD exomes below 0.00001; TOPMed below 0.00001; ESP Exome Variant Server 0.00008.
gnomAD v4.1: 1 of 1,613,094 alleles (0.000062%); highest among the groups gnomAD compares: Non-Finnish European, 0.000085%; no homozygotes.

Submission:

CeGaT Center for Human Genetics Tuebingen
Classification: Likely benign. Last evaluated: 2023-02-01. Review status: criteria provided, single submitter. Criteria: CeGaT Center For Human Genetics Tuebingen Variant Classification Criteria Version 2. Collection method: clinical testing. Allele origin: germline. Affected: yes. Observed: 1 variant allele.
Comment: DST: PM2:Supporting, BP4, BP7